The following is an entry in ClinVar:

NM_004281.4(BAG3):c.555G>A (p.Ser185=)

Gene: BAG3 (BAG cochaperone 3; plus strand). Cytogenetic location: 10q26.11.
Variant type: single nucleotide variant.
Coding change: c.555G>A on transcript NM_004281.4 (MANE Select); coding-DNA position 555, G replaced by A.
Protein change: p.Ser185=; no amino-acid change (serine 185 retained).
Molecular consequence: synonymous variant.
Genome position (GRCh38, 1-based): chr10:119,672,302, G>A. VCF-style: chr10-119672302-G-A. GRCh37 (hg19) VCF-style: chr10-121431814-G-A.
Identifiers: ClinVar variation 1524434 (VCV001524434.6), dbSNP rs1247645930, ClinGen allele CA471739181.

ClinVar aggregate classification (germline): Uncertain significance (1 of 4 stars; one submission).

Conditions:
Myofibrillar myopathy 6. Identifiers: Orphanet 199340, MedGen C2751831, MONDO:0013061, OMIM 612954.
Dilated cardiomyopathy 1HH (CMD1HH). Identifiers: Orphanet 154, MedGen C3151293, MONDO:0013479, OMIM 613881.

Allele frequency attached by ClinVar (database versions not stated): gnomAD exomes below 0.00001.
gnomAD v4.1: 6 of 1,613,864 alleles (0.00037%); highest among the groups gnomAD compares: East Asian, 0.0045%; no homozygotes.

Submission:

Labcorp Genetics (formerly Invitae), Labcorp
Classification: Uncertain significance for Dilated cardiomyopathy 1HH; Myofibrillar myopathy 6. Last evaluated: 2021-11-19. Review status: criteria provided, single submitter. Criteria: Invitae Variant Classification Sherloc (09022015). Collection method: clinical testing. Allele origin: germline.
Comment: Algorithms developed to predict the effect of sequence changes on RNA splicing suggest that this variant may create or strengthen a splice site. This variant has not been reported in the literature in individuals affected with BAG3-related conditions. This variant is not present in population databases (gnomAD no frequency). This sequence change affects codon 185 of the BAG3 mRNA. It is a 'silent' change, meaning that it does not change the encoded amino acid sequence of the BAG3 protein. In summary, the available evidence is currently insufficient to determine the role of this variant in disease. Therefore, it has been classified as a Variant of Uncertain Significance.